The following is an entry in ClinVar:

NM_001077653.2(TBX20):c.569C>A (p.Pro190His)

Gene: TBX20 (T-box transcription factor 20; minus strand). Cytogenetic location: 7p14.2.
Variant type: single nucleotide variant.
Coding change: c.569C>A on transcript NM_001077653.2 (MANE Select); coding-DNA position 569, C replaced by A.
Protein change: p.Pro190His; replaces proline 190 with histidine.
Molecular consequence: missense variant.
Genome position (GRCh38, 1-based): chr7:35,245,034, G>T on the plus strand (C>A on the coding strand, the complement: TBX20 is on the minus strand). VCF-style: chr7-35245034-G-T. GRCh37 (hg19) VCF-style: chr7-35284646-G-T.
Other names: p.Pro190His; c.569C>A, p.Pro190His (NM_001166220.1); short protein forms P190H.
Identifiers: ClinVar variation 1677551 (VCV001677551.9), dbSNP rs1304347935, ClinGen allele CA367264452.

ClinVar aggregate classification (germline): Uncertain significance. Review status: criteria provided, multiple submitters, no conflicts (2 of 4 stars). 5 submissions from 5 submitters: Uncertain significance (4). 1 of the submissions does not count toward it. Last evaluated 2023-11-21.

Conditions:
TBX20-related disorder. Also called: TBX20-related condition.
Cardiovascular phenotype. Identifiers: MedGen CN230736.

gnomAD v4.1: 7 of 1,613,436 alleles (0.00043%); highest among the groups gnomAD compares: Non-Finnish European, 0.00059%; no homozygotes.

Submissions (5):

Mayo Clinic Laboratories, Mayo Clinic
Classification: Uncertain significance. Last evaluated: 2023-11-21. Review status: criteria provided, single submitter. Criteria: ACMG Guidelines, 2015. Collection method: clinical testing. Allele origin: germline. Observed: 1 variant allele.
Comment: PP3

Labcorp Genetics (formerly Invitae), Labcorp
Classification: Uncertain significance. Last evaluated: 2023-08-27. Review status: criteria provided, single submitter. Criteria: Invitae Variant Classification Sherloc (09022015). Collection method: clinical testing. Allele origin: germline.
Comment: This sequence change replaces proline, which is neutral and non-polar, with histidine, which is basic and polar, at codon 190 of the TBX20 protein (p.Pro190His). This variant is not present in population databases (gnomAD no frequency). This variant has not been reported in the literature in individuals affected with TBX20-related conditions. ClinVar contains an entry for this variant (Variation ID: 1677551). Advanced modeling of protein sequence and biophysical properties (such as structural, functional, and spatial information, amino acid conservation, physicochemical variation, residue mobility, and thermodynamic stability) performed at Invitae indicates that this missense variant is expected to disrupt TBX20 protein function. In summary, the available evidence is currently insufficient to determine the role of this variant in disease. Therefore, it has been classified as a Variant of Uncertain Significance.

AiLife Diagnostics
Classification: Uncertain significance. Last evaluated: 2021-10-06. Review status: criteria provided, single submitter. Criteria: ACMG Guidelines, 2015. Collection method: clinical testing. Allele origin: germline. Affected: yes. Observed: 1 variant allele.

Ambry Genetics
Classification: Uncertain significance for Cardiovascular phenotype. Last evaluated: 2018-12-27. Review status: criteria provided, single submitter. Criteria: Ambry Variant Classification Scheme 2023. Collection method: clinical testing. Allele origin: germline.
Comment: The p.P190H variant (also known as c.569C>A), located in coding exon 4 of the TBX20 gene, results from a C to A substitution at nucleotide position 569. The proline at codon 190 is replaced by histidine, an amino acid with similar properties. This amino acid position is highly conserved in available vertebrate species. In addition, this alteration is predicted to be deleterious by in silico analysis. Since supporting evidence is limited at this time, the clinical significance of this alteration remains unclear.

PreventionGenetics, part of Exact Sciences
Classification: Uncertain significance for TBX20-related condition. Last evaluated: 2024-01-20. Review status: no assertion criteria provided. Collection method: clinical testing. Allele origin: germline. Not counted in ClinVar's aggregate classification.
Comment: The TBX20 c.569C>A variant is predicted to result in the amino acid substitution p.Pro190His. To our knowledge, this variant has not been reported in the literature. This variant is reported in 0.0065% of alleles in individuals of European (Non-Finnish) descent in gnomAD. At this time, the clinical significance of this variant is uncertain due to the absence of conclusive functional and genetic evidence.